The following is an entry in ClinVar:

ClinVar aggregate classification (germline): Benign/Likely benign. Review status: criteria provided, multiple submitters, no conflicts (2 of 4 stars). 3 submissions from 3 submitters: Benign (1); Likely benign (1). 1 of the submissions does not count toward it. Last evaluated 2026-01-15.

Conditions:
Inborn genetic diseases. Identifiers: MedGen C0950123, MeSH D030342.
FAT4-related disorder. Also called: FAT4-related condition.

Allele frequency attached by ClinVar (database versions not stated): gnomAD 0.00001 and 0.00019; TOPMed 0.00006; gnomAD exomes 0.00030 and 0.00056; ExAC 0.00066; 1000 Genomes Project 30x 0.00125; 1000 Genomes Project 0.00140.
gnomAD v4.1: 456 of 1,576,892 alleles (0.029%); highest among the groups gnomAD compares: South Asian, 0.45%; 5 homozygotes.

Submissions (3):

Labcorp Genetics (formerly Invitae), Labcorp
Classification: Benign. Last evaluated: 2026-01-15. Review status: criteria provided, single submitter. Criteria: Invitae Variant Classification Sherloc (09022015). Collection method: clinical testing. Allele origin: germline.

Ambry Genetics
Classification: Likely benign for Inborn genetic diseases. Last evaluated: 2025-05-18. Review status: criteria provided, single submitter. Criteria: Ambry Variant Classification Scheme 2023. Collection method: clinical testing. Allele origin: germline.

PreventionGenetics, part of Exact Sciences
Classification: Likely benign for FAT4-related condition. Last evaluated: 2020-01-29. Review status: no assertion criteria provided. Collection method: clinical testing. Allele origin: germline. Not counted in ClinVar's aggregate classification.
Comment: This variant is classified as likely benign based on ACMG/AMP sequence variant interpretation guidelines (Richards et al. 2015 PMID: 25741868, with internal and published modifications).

NM_001291303.3(FAT4):c.5924T>C (p.Ile1975Thr)

Gene: FAT4 (FAT atypical cadherin 4; plus strand). Cytogenetic location: 4q28.1.
Variant type: single nucleotide variant.
Coding change: c.5924T>C on transcript NM_001291303.3 (MANE Select); coding-DNA position 5924, T replaced by C.
Protein change: p.Ile1975Thr; replaces isoleucine 1975 with threonine.
Molecular consequence: missense variant.
Genome position (GRCh38, 1-based): chr4:125,414,887, T>C. VCF-style: chr4-125414887-T-C. GRCh37 (hg19) VCF-style: chr4-126336042-T-C.
Other names: c.5924T>C (NM_024582.4); c.5924T>C, p.Ile1975Thr (NM_001291285.3, NM_024582.6); short protein forms I1975T.
Identifiers: ClinVar variation 1617689 (VCV001617689.11), dbSNP rs200276252, ClinGen allele CA3072838.